The following is an entry in ClinVar:

ClinVar aggregate classification (germline): Uncertain significance (1 of 4 stars; one submission).

Submission:

Labcorp Genetics (formerly Invitae), Labcorp
Classification: Uncertain significance. Last evaluated: 2024-12-04. Review status: criteria provided, single submitter. Criteria: Invitae Variant Classification Sherloc (09022015). Collection method: clinical testing. Allele origin: germline.
Comment: This sequence change replaces glutamic acid, which is acidic and polar, with glutamine, which is neutral and polar, at codon 50 of the AP1S2 protein (p.Glu50Gln). This variant is not present in population databases (gnomAD no frequency). This variant has not been reported in the literature in individuals affected with AP1S2-related conditions. An algorithm developed to predict the effect of missense changes on protein structure and function (PolyPhen-2) suggests that this variant is likely to be tolerated. In summary, the available evidence is currently insufficient to determine the role of this variant in disease. Therefore, it has been classified as a Variant of Uncertain Significance.

NM_001272071.2(AP1S2):c.148G>C (p.Glu50Gln)

Gene: AP1S2 (adaptor related protein complex 1 subunit sigma 2; minus strand). Cytogenetic location: Xp22.2.
Variant type: single nucleotide variant.
Coding change: c.148G>C on transcript NM_001272071.2 (MANE Select); coding-DNA position 148, G replaced by C.
Protein change: p.Glu50Gln; replaces glutamic acid 50 with glutamine.
Molecular consequence: missense variant. On other transcripts: non-coding transcript variant (2).
Genome position (GRCh38, 1-based): chrX:15,852,377, C>G on the plus strand (G>C on the coding strand, the complement: AP1S2 is on the minus strand). VCF-style: chrX-15852377-C-G. GRCh37 (hg19) VCF-style: chrX-15870500-C-G.
Other names: c.148G>C, p.Glu50Gln (NM_001368994.1, NM_001369007.1, NM_001369008.1 and 1 more transcripts); short protein forms E50Q.
Identifiers: ClinVar variation 3726562 (VCV003726562.2).